The following is an entry in ClinVar:

ClinVar aggregate classification (germline): Benign/Likely benign. Review status: criteria provided, multiple submitters, no conflicts (2 of 4 stars). 11 submissions from 10 submitters: Benign (7); Likely benign (2). 2 of the submissions do not count toward it. Last evaluated 2026-09-01.

Conditions:
Brain small vessel disease 1 with or without ocular anomalies (BSVD1). Also called: BRAIN SMALL VESSEL DISEASE WITH HEMORRHAGE; Brain small vessel disease with or without ocular anomalies; GOULD SYNDROME 1; PORENCEPHALY, TYPE 1, AUTOSOMAL DOMINANT. Identifiers: Orphanet 2940, Orphanet 36383, Orphanet 99810, MedGen C4755307, MONDO:0008289, OMIM 175780.
Autosomal dominant familial hematuria-retinal arteriolar tortuosity-contractures syndrome. Also called: Angiopathy, hereditary, with nephropathy, aneurysms, and muscle cramps; Hereditary Angiopathy with Nephropathy, Aneurysms, and Muscle Cramps (HANAC) Syndrome. Identifiers: Orphanet 73229, MedGen C2673195, MONDO:0012726, OMIM 611773.

Allele frequency attached by ClinVar (database versions not stated): TOPMed 0.00199; 1000 Genomes Project 30x 0.00234; 1000 Genomes Project 0.00240; ESP Exome Variant Server 0.00277; gnomAD exomes 0.00568 and 0.00816; ExAC 0.00764.
gnomAD v4.1: 9,308 of 1,611,020 alleles (0.58%); highest among the groups gnomAD compares: Non-Finnish European, 0.43%; 130 homozygotes.

Submissions (34):

CeGaT Center for Human Genetics Tuebingen
Classification: Benign. Last evaluated: 2026-09-01. Review status: criteria provided, single submitter. Criteria: CeGaT Center For Human Genetics Tuebingen Variant Classification Criteria Version 2. Collection method: clinical testing. Allele origin: germline. Affected: yes. Observed: 31 variant alleles.
Comment: COL4A1: BP4, BP7, BS1, BS2

Labcorp Genetics (formerly Invitae), Labcorp
Classification: Benign. Last evaluated: 2026-02-01. Review status: criteria provided, single submitter. Criteria: Invitae Variant Classification Sherloc (09022015). Collection method: clinical testing. Allele origin: germline.

Mayo Clinic Laboratories, Mayo Clinic
Classification: Benign. Last evaluated: 2025-04-27. Review status: criteria provided, single submitter. Criteria: ACMG Guidelines, 2015. Collection method: clinical testing. Allele origin: germline. Observed: 5 variant alleles.

Blueprint Genetics
Classification: Likely benign. Last evaluated: 2024-11-26. Review status: criteria provided, single submitter. Criteria: ACMG Guidelines, 2015. Collection method: clinical testing. Allele origin: germline.

GeneDx
Classification: Benign. Last evaluated: 2020-08-14. Review status: criteria provided, single submitter. Criteria: GeneDx Variant Classification Process June 2021. Collection method: clinical testing. Allele origin: germline. Affected: yes.

Illumina Laboratory Services, Illumina
Classification: Benign for Autosomal dominant familial hematuria-retinal arteriolar tortuosity-contractures syndrome. Last evaluated: 2018-01-13. Review status: criteria provided, single submitter. Criteria: ICSL Variant Classification Criteria 13 December 2019. Collection method: clinical testing. Allele origin: germline.
Comment: This variant was observed in the ICSL laboratory as part of a predisposition screen in an ostensibly healthy population. It had not been previously curated by ICSL or reported in the Human Gene Mutation Database (HGMD: prior to June 1st, 2018), and was therefore a candidate for classification through an automated scoring system. Utilizing variant allele frequency, disease prevalence and penetrance estimates, and inheritance mode, an automated score was calculated to assess if this variant is too frequent to cause the disease. Based on the score and internal cut-off values, a variant classified as benign is not then subjected to further curation. The score for this variant resulted in a classification of benign for this disease.

Illumina Laboratory Services, Illumina
Classification: Benign for Brain small vessel disease 1 with or without ocular anomalies. Last evaluated: 2018-01-13. Review status: criteria provided, single submitter. Criteria: ICSL Variant Classification Criteria 13 December 2019. Collection method: clinical testing. Allele origin: germline.
Comment: the same text as in the submission from Illumina Laboratory Services, Illumina above.

Eurofins Ntd Llc (ga)
Classification: Benign. Last evaluated: 2015-02-03. Review status: criteria provided, single submitter. Criteria: EGL Classification Definitions 2015. Collection method: clinical testing. Allele origin: germline. Observed: 1 variant allele, 1 heterozygote.

Breakthrough Genomics
Classification: Likely benign. Review status: criteria provided, single submitter. Criteria: ACMG Guidelines, 2015. Collection method: not provided. Allele origin: germline. Inheritance: Autosomal dominant inheritance. Affected: yes.

Clinical Genetics DNA and cytogenetics Diagnostics Lab, Erasmus MC, Erasmus Medical Center
Classification: Benign. Review status: no assertion criteria provided. Collection method: clinical testing. Allele origin: germline. Affected: yes. Study: VKGL Data-share Consensus. Not counted in ClinVar's aggregate classification.

Dr. Peter K. Rogan Lab, Western University
No classification provided (evidence only). Condition: Clear cell carcinoma of kidney. Review status: no classification provided. Collection method: in vitro. Allele origin: not applicable. Functional consequence: retained intron. Not counted in ClinVar's aggregate classification.

Dr. Peter K. Rogan Lab, Western University
No classification provided (evidence only). Condition: Clear cell carcinoma of kidney. Review status: no classification provided. Collection method: in vitro. Allele origin: not applicable. Functional consequence: skipped exon, retained intron. Not counted in ClinVar's aggregate classification.

Dr. Peter K. Rogan Lab, Western University
No classification provided (evidence only). Condition: Melanoma. Review status: no classification provided. Collection method: in vitro. Allele origin: not applicable. Functional consequence: retained intron. Not counted in ClinVar's aggregate classification.

Dr. Peter K. Rogan Lab, Western University
No classification provided (evidence only). Condition: Melanoma. Review status: no classification provided. Collection method: in vitro. Allele origin: not applicable. Functional consequence: retained intron. Not counted in ClinVar's aggregate classification.

Dr. Peter K. Rogan Lab, Western University
No classification provided (evidence only). Condition: Melanoma. Review status: no classification provided. Collection method: in vitro. Allele origin: not applicable. Functional consequence: retained intron. Not counted in ClinVar's aggregate classification.

Dr. Peter K. Rogan Lab, Western University
No classification provided (evidence only). Condition: Familial cancer of breast. Review status: no classification provided. Collection method: in vitro. Allele origin: not applicable. Functional consequence: retained intron. Not counted in ClinVar's aggregate classification.

Dr. Peter K. Rogan Lab, Western University
No classification provided (evidence only). Condition: Familial cancer of breast. Review status: no classification provided. Collection method: in vitro. Allele origin: not applicable. Functional consequence: retained intron. Not counted in ClinVar's aggregate classification.

Dr. Peter K. Rogan Lab, Western University
No classification provided (evidence only). Condition: Familial cancer of breast. Review status: no classification provided. Collection method: in vitro. Allele origin: not applicable. Functional consequence: retained intron. Not counted in ClinVar's aggregate classification.

Dr. Peter K. Rogan Lab, Western University
No classification provided (evidence only). Condition: Familial cancer of breast. Review status: no classification provided. Collection method: in vitro. Allele origin: not applicable. Functional consequence: retained intron. Not counted in ClinVar's aggregate classification.

Dr. Peter K. Rogan Lab, Western University
No classification provided (evidence only). Condition: Colon adenocarcinoma. Review status: no classification provided. Collection method: in vitro. Allele origin: not applicable. Functional consequence: retained intron. Not counted in ClinVar's aggregate classification.

Dr. Peter K. Rogan Lab, Western University
No classification provided (evidence only). Condition: Colon adenocarcinoma. Review status: no classification provided. Collection method: in vitro. Allele origin: not applicable. Functional consequence: retained intron. Not counted in ClinVar's aggregate classification.

Dr. Peter K. Rogan Lab, Western University
No classification provided (evidence only). Condition: Colon adenocarcinoma. Review status: no classification provided. Collection method: in vitro. Allele origin: not applicable. Functional consequence: retained intron. Not counted in ClinVar's aggregate classification.

Dr. Peter K. Rogan Lab, Western University
No classification provided (evidence only). Condition: Thyroid cancer, nonmedullary, 1. Review status: no classification provided. Collection method: in vitro. Allele origin: not applicable. Functional consequence: retained intron. Not counted in ClinVar's aggregate classification.

Dr. Peter K. Rogan Lab, Western University
No classification provided (evidence only). Condition: Cervical cancer. Review status: no classification provided. Collection method: in vitro. Allele origin: not applicable. Functional consequence: retained intron. Not counted in ClinVar's aggregate classification.

Dr. Peter K. Rogan Lab, Western University
No classification provided (evidence only). Condition: Thymoma. Review status: no classification provided. Collection method: in vitro. Allele origin: not applicable. Functional consequence: retained intron. Not counted in ClinVar's aggregate classification.

Dr. Peter K. Rogan Lab, Western University
No classification provided (evidence only). Condition: Ovarian serous cystadenocarcinoma. Review status: no classification provided. Collection method: in vitro. Allele origin: not applicable. Functional consequence: retained intron. Not counted in ClinVar's aggregate classification.

Dr. Peter K. Rogan Lab, Western University
No classification provided (evidence only). Condition: Ovarian serous cystadenocarcinoma. Review status: no classification provided. Collection method: in vitro. Allele origin: not applicable. Functional consequence: retained intron. Not counted in ClinVar's aggregate classification.

Dr. Peter K. Rogan Lab, Western University
No classification provided (evidence only). Condition: Gastric cancer. Review status: no classification provided. Collection method: in vitro. Allele origin: not applicable. Functional consequence: retained intron. Not counted in ClinVar's aggregate classification.

Dr. Peter K. Rogan Lab, Western University
No classification provided (evidence only). Condition: Gastric cancer. Review status: no classification provided. Collection method: in vitro. Allele origin: not applicable. Functional consequence: retained intron. Not counted in ClinVar's aggregate classification.

Dr. Peter K. Rogan Lab, Western University
No classification provided (evidence only). Condition: Gastric cancer. Review status: no classification provided. Collection method: in vitro. Allele origin: not applicable. Functional consequence: retained intron. Not counted in ClinVar's aggregate classification.

Dr. Peter K. Rogan Lab, Western University
No classification provided (evidence only). Condition: Gastric cancer. Review status: no classification provided. Collection method: in vitro. Allele origin: not applicable. Functional consequence: retained intron. Not counted in ClinVar's aggregate classification.

Dr. Peter K. Rogan Lab, Western University
No classification provided (evidence only). Condition: Adrenocortical carcinoma, hereditary. Review status: no classification provided. Collection method: in vitro. Allele origin: not applicable. Functional consequence: retained intron. Not counted in ClinVar's aggregate classification.

Dr. Peter K. Rogan Lab, Western University
No classification provided (evidence only). Condition: Malignant tumor of esophagus. Review status: no classification provided. Collection method: in vitro. Allele origin: not applicable. Functional consequence: skipped exon, retained intron. Not counted in ClinVar's aggregate classification.

Laboratory of Diagnostic Genome Analysis, Leiden University Medical Center (LUMC)
Classification: Likely benign. Review status: no assertion criteria provided. Collection method: clinical testing. Allele origin: germline. Affected: yes. Study: VKGL Data-share Consensus. Not counted in ClinVar's aggregate classification.

NM_001845.6(COL4A1):c.3996C>T (p.Gly1332=)

Gene: COL4A1 (collagen type IV alpha 1 chain; minus strand). Cytogenetic location: 13q34.
Variant type: single nucleotide variant.
Coding change: c.3996C>T on transcript NM_001845.6 (MANE Select); coding-DNA position 3996, C replaced by T.
Protein change: p.Gly1332=; no amino-acid change (glycine 1332 retained).
Molecular consequence: synonymous variant.
Genome position (GRCh38, 1-based): chr13:110,166,257, G>A on the plus strand (C>T on the coding strand, the complement: COL4A1 is on the minus strand). VCF-style: chr13-110166257-G-A. GRCh37 (hg19) VCF-style: chr13-110818604-G-A.
Other names: p.Gly1332=.
Identifiers: ClinVar variation 197519 (VCV000197519.61), dbSNP rs150857429, ClinGen allele CA202931.
Genomic context (GRCh38, chr13:110,166,257, plus strand): 5'-CAGTAAGGTGTCCACAGATCAACAAACTCTCCTACCTTTAGCTCCCGGGACGCCTTGATC[G>A]CCTTGATCACCTTTAATTCCCTGGAGGCCAGGAAGACCTTTTGGACCTAAAAGCAGAGGG-3'
Protein context (NP_001836.3, residues 1322-1342): PGLQGIKGDQ[Gly1332=]DQGVPGAKGL